The following is an entry in ClinVar:

ClinVar aggregate classification (germline): Likely benign (1 of 4 stars; one submission).

Allele frequency attached by ClinVar (database versions not stated): gnomAD 0.00009 and 0.00011; TOPMed 0.00011; ExAC 0.00039; 1000 Genomes Project 30x 0.00062; 1000 Genomes Project 0.00080.

Submission:

GeneDx
Classification: Likely benign. Last evaluated: 2018-05-01. Review status: criteria provided, single submitter. Criteria: GeneDx Variant Classification (06012015). Collection method: clinical testing. Allele origin: germline. Affected: yes.
Comment: This variant is considered likely benign or benign based on one or more of the following criteria: it is a conservative change, it occurs at a poorly conserved position in the protein, it is predicted to be benign by multiple in silico algorithms, and/or has population frequency not consistent with disease.

NM_020312.4(COQ9):c.72C>T (p.Pro24=)

Genes: COQ9 (coenzyme Q9; plus strand), LOC112469007 (Sharpr-MPRA regulatory region 5957; plus strand). Cytogenetic location: 16q21.
Variant type: single nucleotide variant.
Coding change: c.72C>T on transcript NM_020312.4 (MANE Select); coding-DNA position 72, C replaced by T.
Protein change: p.Pro24=; no amino-acid change (proline 24 retained).
Molecular consequence: synonymous variant.
Genome position (GRCh38, 1-based): chr16:57,447,577, C>T. VCF-style: chr16-57447577-C-T. GRCh37 (hg19) VCF-style: chr16-57481489-C-T.
Identifiers: ClinVar variation 682119 (VCV000682119.1), dbSNP rs554427885, ClinGen allele CA8076072.
Genomic context (GRCh38, chr16:57,447,577, plus strand): 5'-GGCGGTATCTGGTGCGCTTGGCCGGGCGGGCTGGAGGCTCCTGCAGCTGCGATGCCTGCC[C>T]GGTGAGGGGGCTGCCAAGCCGGGGAGAGGCGGGGAGCGCGGAGGGGGCGCGAGGCCGGCT-3'
Protein context (NP_064708.1, residues 14-34): GWRLLQLRCL[Pro24=]VARCRQALVP